The following is an entry in ClinVar:

ClinVar aggregate classification (germline): Pathogenic. Review status: criteria provided, multiple submitters, no conflicts (2 of 4 stars). 2 submissions from 2 submitters: Pathogenic (2). Last evaluated 2026-02-24.

Conditions:
Lethal osteosclerotic bone dysplasia (RNS). Also called: Osteomalacia, sclerosing, with cerebral calcification. Identifiers: Orphanet 1832, MedGen C1850106, MONDO:0009821, OMIM 259775.

Submissions (2):

GeneDx
Classification: Pathogenic. Last evaluated: 2026-02-24. Review status: criteria provided, single submitter. Criteria: GeneDx Variant Classification Process June 2021. Collection method: clinical testing. Allele origin: germline.
Comment: Frameshift variant predicted to result in protein truncation or nonsense mediated decay in a gene for which loss of function is a known mechanism of disease; Not observed at significant frequency in large population cohorts (gnomAD); This variant is associated with the following publications: (PMID: 32093234)

Women's Health and Genetics/Laboratory Corporation of America, LabCorp
Classification: Pathogenic for Lethal osteosclerotic bone dysplasia. Last evaluated: 2025-04-22. Review status: criteria provided, single submitter. Criteria: LabCorp Variant Classification Summary - May 2015. Collection method: clinical testing. Allele origin: germline.
Comment: Variant summary: FAM20C c.474delC (p.Ser159ProfsX28) results in a premature termination codon, predicted to cause a truncation of the encoded protein or absence of the protein due to nonsense mediated decay, which are commonly known mechanisms for disease. The variant allele was found at a frequency of 7.4e-06 in 134998 control chromosomes. c.474delC has been reported in the literature in one family with two compound heterozygous individuals affected with Lethal Raine Syndrome (Hernandez-Zavala_2020). These data indicate that the variant may be associated with disease. To our knowledge, no experimental evidence demonstrating an impact on protein function has been reported. The following publication has been ascertained in the context of this evaluation (PMID: 32093234). ClinVar contains an entry for this variant (Variation ID: 2637599). Based on the evidence outlined above, the variant was classified as pathogenic.

Literature cited by the submitters: PubMed 32093234 (cited by Women's Health and Genetics/Laboratory Corporation of America, LabCorp).

NM_020223.4(FAM20C):c.474del (p.Ser159fs)

Gene: FAM20C (FAM20C golgi associated secretory pathway kinase; plus strand). Cytogenetic location: 7p22.3.
Variant type: Deletion.
Coding change: c.474del on transcript NM_020223.4 (MANE Select); coding-DNA position 474, one base deleted (C; older notation c.474delC).
Protein change: p.Ser159fs; shifts the reading frame from serine 159.
Molecular consequence: frameshift variant.
Genome position (GRCh38, 1-based): chr7:193,673, C deleted; the last of 2 consecutive C bases (chr7:193,672-193,673); deleting either gives the same sequence. VCF-style (leftmost placement, unchanged base first): chr7-193671-GC-G. GRCh37 (hg19) VCF-style: chr7-193671-GC-G.
Other names: c.474delC (NM_020223.4); c.474del (NM_020223.3); short protein forms S159fs.
Identifiers: ClinVar variation 2637599 (VCV002637599.4), dbSNP rs1331889066, ClinGen allele CA572353073.